The following is an entry in ClinVar:

NM_000138.5(FBN1):c.8512A>T (p.Lys2838Ter)

Gene: FBN1 (fibrillin 1; minus strand). Cytogenetic location: 15q21.1.
Variant type: single nucleotide variant.
Coding change: c.8512A>T on transcript NM_000138.5 (MANE Select); coding-DNA position 8512, A replaced by T.
Protein change: p.Lys2838Ter; replaces lysine 2838 with a stop codon.
Molecular consequence: nonsense.
Genome position (GRCh38, 1-based): chr15:48,411,094, T>A on the plus strand (A>T on the coding strand, the complement: FBN1 is on the minus strand). VCF-style: chr15-48411094-T-A. GRCh37 (hg19) VCF-style: chr15-48703291-T-A.
Other names: short protein forms K2838*.
Identifiers: ClinVar variation 638158 (VCV000638158.3), dbSNP rs1597506641, ClinGen allele CA392318733.

ClinVar aggregate classification (germline): Pathogenic (1 of 4 stars; one submission).

Conditions:
Marfan syndrome (MFS). Also called: FBN1-Related Marfan Syndrome; Marfan syndrome type 1; Marfan's syndrome; Marfan syndrome, classic; MARFAN SYNDROME, TYPE I. Identifiers: Orphanet 284963, Orphanet 558, MedGen C0024796, MONDO:0007947, OMIM 154700.

Submission:

Petrovsky National Research Centre of Surgery, The Federal Agency for Scientific Organizations
Classification: Pathogenic for Marfan syndrome. Last evaluated: 2016-10-10. Review status: criteria provided, single submitter. Criteria: ACMG Guidelines, 2015. Collection method: curation. Allele origin: unknown. Inheritance: Autosomal dominant inheritance. Affected: yes. Observed: 1 heterozygote.
Comment: The c.8512A>T (p.K2838*) variant was absent from large population studies. Null variants (deletions, frameshifts, stop-gain, etc) in FBN1 gene characterized as LoF to which FBN1 is intolerant (ExAC LoF pLI = 1.00). Results of computational resources like NetGene2, Provean and MutationTaster show a damaging effect.